The following is an entry in ClinVar:

ClinVar aggregate classification (germline): Pathogenic (1 of 4 stars; one submission).

Conditions:
Ehlers-Danlos syndrome, classic type, 1 (EDSCL1). Also called: Ehlers-Danlos syndrome, type 1; Ehlers-Danlos Syndrome, Classic Type, COL5A1-Related; EDS I; EHLERS-DANLOS SYNDROME, GRAVIS TYPE; EHLERS-DANLOS SYNDROME, SEVERE CLASSIC TYPE. Identifiers: MedGen C0268335, MONDO:0019567, OMIM 130000.

Submission:

Labcorp Genetics (formerly Invitae), Labcorp
Classification: Pathogenic for Ehlers-Danlos syndrome, classic type, 1. Last evaluated: 2023-08-10. Review status: criteria provided, single submitter. Criteria: Invitae Variant Classification Sherloc (09022015). Collection method: clinical testing. Allele origin: germline.
Comment: For these reasons, this variant has been classified as Pathogenic. This sequence change affects a donor splice site in intron 44 of the COL5A2 gene. It is expected to disrupt RNA splicing. Variants that disrupt the donor or acceptor splice site typically lead to a loss of protein function (PMID: 16199547), and loss-of-function variants in COL5A2 are known to be pathogenic (PMID: 23587214). This variant is not present in population databases (gnomAD no frequency). Disruption of this splice site has been observed in individuals with Ehlers-Danlos syndrome (PMID: 35128800; Invitae). ClinVar contains an entry for this variant (Variation ID: 862627). Algorithms developed to predict the effect of sequence changes on RNA splicing suggest that this variant may disrupt the consensus splice site.

Literature cited by the submitters: PubMed 16199547; PubMed 23587214; PubMed 35128800.

NM_000393.5(COL5A2):c.3147+1G>A

Gene: COL5A2 (collagen type V alpha 2 chain; minus strand). Cytogenetic location: 2q32.2.
Variant type: single nucleotide variant.
Coding change: c.3147+1G>A on transcript NM_000393.5 (MANE Select); the canonical splice donor site of the intron after coding-DNA position 3147, G replaced by A.
Molecular consequence: splice donor variant.
Genome position (GRCh38, 1-based): chr2:189,049,346, C>T on the plus strand (G>A on the coding strand, the complement: COL5A2 is on the minus strand). VCF-style: chr2-189049346-C-T. GRCh37 (hg19) VCF-style: chr2-189914072-C-T.
Identifiers: ClinVar variation 862627 (VCV000862627.9), dbSNP rs1685734160, ClinGen allele CA349864985.
Genomic context (GRCh38, chr2:189,049,346, plus strand): 5'-AAAAAATTGTTTCCATGACACCAGATAACAAGAGAAGAGTTATTTTCACTGTAGTACTCA[C>T]TTCTGGTCCAGGTTCCCCTACAGGACCATTGGAGCCTGGGGGCCCCACAGGTCCAGGTGG-3'